The following is an entry in ClinVar:

NM_004329.3(BMPR1A):c.-268+37418C>T

Gene: BMPR1A (bone morphogenetic protein receptor type 1A; plus strand). Cytogenetic location: 10q23.2.
Variant type: single nucleotide variant.
Coding change: c.-268+37418C>T on transcript NM_004329.3 (MANE Select); 37418 bases into the intron after 268 bases upstream of the start codon, C replaced by T.
Molecular consequence: intron variant.
Genome position (GRCh38, 1-based): chr10:86,794,337, C>T. VCF-style: chr10-86794337-C-T. GRCh37 (hg19) VCF-style: chr10-88554094-C-T.
Identifiers: ClinVar variation 2030471 (VCV002030471.4), dbSNP rs915918702, ClinGen allele CA211212453.
Genomic context (GRCh38, chr10:86,794,337, plus strand): 5'-GGCTTGGATTGGTCCTGGCCTGAATCTTGTTCTGCTGTGTAGCAGCACTGTGACGTTAGG[C>T]AAGTTTCTTCTCTGTACTTGTTTCTTCTTTGGTGAAATCAAGATAGTAATGCTTGTCTGT-3'

ClinVar aggregate classification (germline): Uncertain significance (1 of 4 stars; one submission).

Conditions:
Juvenile polyposis syndrome (JPS). Identifiers: Orphanet 2929, MedGen C0345893, MONDO:0017380, OMIM 174900.

Allele frequency attached by ClinVar (database versions not stated): gnomAD 0.00011; TOPMed 0.00012.
gnomAD v4.1: 16 of 152,062 alleles (0.011%); highest among the groups gnomAD compares: Admixed American, 0.02%; no homozygotes.

Submission:

Labcorp Genetics (formerly Invitae), Labcorp
Classification: Uncertain significance for Juvenile polyposis syndrome. Last evaluated: 2023-10-20. Review status: criteria provided, single submitter. Criteria: Invitae Variant Classification Sherloc (09022015). Collection method: clinical testing. Allele origin: germline.
Comment: This variant occurs in a non-coding region of the BMPR1A gene. It does not change the encoded amino acid sequence of the BMPR1A protein. This variant is present in population databases (no rsID available, gnomAD 0.01%). This variant has not been reported in the literature in individuals affected with BMPR1A-related conditions. Studies have shown that this variant is associated with altered splicing resulting in alteration to a non-coding region of the gene (Invitae). In summary, the available evidence is currently insufficient to determine the role of this variant in disease. Therefore, it has been classified as a Variant of Uncertain Significance.